The following is an entry in ClinVar:

NM_004795.4(KL):c.2557C>T (p.Arg853Cys)

Gene: KL (klotho; plus strand). Cytogenetic location: 13q13.1.
Variant type: single nucleotide variant.
Coding change: c.2557C>T on transcript NM_004795.4 (MANE Select); coding-DNA position 2557, C replaced by T.
Protein change: p.Arg853Cys; replaces arginine 853 with cysteine.
Molecular consequence: missense variant.
Genome position (GRCh38, 1-based): chr13:33,061,636, C>T. VCF-style: chr13-33061636-C-T. GRCh37 (hg19) VCF-style: chr13-33635773-C-T.
Other names: short protein forms R853C.
Identifiers: ClinVar variation 311703 (VCV000311703.13), dbSNP rs147992424, ClinGen allele CA6944329.
Genomic context (GRCh38, chr13:33,061,636, plus strand): 5'-ATGACCGACATCACGTGGCTCAACTCCCCCAGTCAGGTGGCGGTAGTGCCCTGGGGGTTG[C>T]GCAAAGTGCTGAACTGGCTGAAGTTCAAGTACGGAGACCTCCCCATGTACATAATATCCA-3'
Protein context (NP_004786.2, residues 843-863): SQVAVVPWGL[Arg853Cys]KVLNWLKFKY

ClinVar aggregate classification (germline): Uncertain significance. Review status: criteria provided, multiple submitters, no conflicts (2 of 4 stars). 4 submissions from 4 submitters: Uncertain significance (4). Last evaluated 2025-11-27.

Conditions:
Tumoral calcinosis, hyperphosphatemic, familial, 3. Identifiers: MedGen C4693864, MONDO:0060715, OMIM 617994.

Allele frequency attached by ClinVar (database versions not stated): ExAC 0.00001; gnomAD exomes 0.00002 and 0.00014; gnomAD 0.00006; TOPMed 0.00006; ESP Exome Variant Server 0.00015.

Submissions (4):

Ambry Genetics
Classification: Uncertain significance. Last evaluated: 2025-11-27. Review status: criteria provided, single submitter. Criteria: Ambry Variant Classification Scheme 2023. Collection method: clinical testing. Allele origin: germline.

Labcorp Genetics (formerly Invitae), Labcorp
Classification: Uncertain significance. Last evaluated: 2024-04-16. Review status: criteria provided, single submitter. Criteria: Invitae Variant Classification Sherloc (09022015). Collection method: clinical testing. Allele origin: germline.
Comment: This sequence change replaces arginine, which is basic and polar, with cysteine, which is neutral and slightly polar, at codon 853 of the KL protein (p.Arg853Cys). This variant is present in population databases (rs147992424, gnomAD 0.006%). This variant has not been reported in the literature in individuals affected with KL-related conditions. ClinVar contains an entry for this variant (Variation ID: 311703). Advanced modeling of protein sequence and biophysical properties (such as structural, functional, and spatial information, amino acid conservation, physicochemical variation, residue mobility, and thermodynamic stability) performed at Invitae indicates that this missense variant is expected to disrupt KL protein function with a positive predictive value of 80%. In summary, the available evidence is currently insufficient to determine the role of this variant in disease. Therefore, it has been classified as a Variant of Uncertain Significance.

Fulgent Genetics
Classification: Uncertain significance for Tumoral calcinosis, hyperphosphatemic, familial, 3. Last evaluated: 2022-02-04. Review status: criteria provided, single submitter. Criteria: ACMG Guidelines, 2015. Collection method: clinical testing. Allele origin: unknown.

Illumina Laboratory Services, Illumina
Classification: Uncertain significance for Tumoral calcinosis, hyperphosphatemic, familial, 3. Last evaluated: 2018-01-13. Review status: criteria provided, single submitter. Criteria: ICSL Variant Classification Criteria 13 December 2019. Collection method: clinical testing. Allele origin: germline.